The following is an entry in ClinVar:

NM_000237.3(LPL):c.862G>A (p.Ala288Thr)

Gene: LPL (lipoprotein lipase; plus strand). Cytogenetic location: 8p21.3.
Variant type: single nucleotide variant.
Coding change: c.862G>A on transcript NM_000237.3 (MANE Select); coding-DNA position 862, G replaced by A.
Protein change: p.Ala288Thr; replaces alanine 288 with threonine.
Molecular consequence: missense variant.
Genome position (GRCh38, 1-based): chr8:19,955,927, G>A. VCF-style: chr8-19955927-G-A. GRCh37 (hg19) VCF-style: chr8-19813438-G-A.
Other names: c.862G>A (NM_000237.2); short protein forms A288T.
Identifiers: ClinVar variation 2735132 (VCV002735132.7), dbSNP rs1800011, ClinGen allele CA4655551.

ClinVar aggregate classification (germline): Conflicting classifications of pathogenicity. Review status: criteria provided, conflicting classifications (1 of 4 stars). 4 submissions from 4 submitters: Likely pathogenic (2); Uncertain significance (2). Last evaluated 2026-04-10.

Conditions:
Hyperlipidemia, familial combined, LPL related (FCHL3). Also called: Hyperapobetalipoproteinemia. Identifiers: MedGen C0020474, MONDO:0007759, OMIM 144250, HP:0008158.
Hyperlipoproteinemia, type I. Also called: Lipase D deficiency; Familial Lipoprotein Lipase Deficiency; Hyperlipoproteinemia type 1; Hyperchylomicro-nemia familial; Familial chylomicronemia; Hyperlipemia idiopathic Burger-Grutz type. Identifiers: Orphanet 309015, Orphanet 444490, MedGen C0023817, MONDO:0009387, OMIM 238600. Disease mechanism: loss of function.
LPL-related disorder. Also called: LPL-related condition.
Cardiovascular phenotype. Identifiers: MedGen CN230736.

Allele frequency attached by ClinVar (database versions not stated): gnomAD 0.00001; TOPMed 0.00002; 1000 Genomes Project 30x 0.00016; 1000 Genomes Project 0.00020.
gnomAD v4.1: 50 of 1,614,158 alleles (0.0031%); highest among the groups gnomAD compares: East Asian, 0.11%; no homozygotes.

Submissions (4):

Ambry Genetics
Classification: Uncertain significance for Cardiovascular phenotype. Last evaluated: 2026-04-10. Review status: criteria provided, single submitter. Criteria: Ambry Variant Classification Scheme 2023. Collection method: clinical testing. Allele origin: germline.
Comment: The p.A288T variant (also known as c.862G>A), located in coding exon 6 of the LPL gene, results from a G to A substitution at nucleotide position 862. The alanine at codon 288 is replaced by threonine, an amino acid with similar properties. This variant has been identified in the homozygous state and/or in conjunction with other LPL variant(s) in individual(s) with features consistent with chylomicronemia syndrome; in at least one instance, the variants were identified in trans (Ma Y et al. J Lipid Res, 1994 Jun;35:1066-75; Li J et al. Clin Chem Lab Med, 2000 Dec;38:1263-70; Li Y et al. Front Genet, 2022 Mar;13:831133). Functional studies suggest that p.A288T results in partial loss of LPL function; however, the physiological relevance of these findings is unclear (Ma Y et al. J Lipid Res, 1994 Jun;35:1066-75; Hu Y et al. Lipids Health Dis, 2023 Aug;22:119). This amino acid position is highly conserved in available vertebrate species. In addition, this alteration is predicted to be deleterious by in silico analysis. Based on the available evidence, the clinical significance of this variant remains unclear.

Labcorp Genetics (formerly Invitae), Labcorp
Classification: Likely pathogenic. Last evaluated: 2025-10-23. Review status: criteria provided, single submitter. Criteria: Invitae Variant Classification Sherloc (09022015). Collection method: clinical testing. Allele origin: germline.
Comment: This sequence change replaces alanine, which is neutral and non-polar, with threonine, which is neutral and polar, at codon 288 of the LPL protein (p.Ala288Thr). This variant is present in population databases (rs1800011, gnomAD 0.08%). This missense change has been observed in individual(s) with LPL-related conditions (PMID: 8077845, 30389453, 30420299, 35309119). In at least one individual the data is consistent with being in trans (on the opposite chromosome) from a pathogenic variant. This variant is also known as p.Ala261Thr. ClinVar contains an entry for this variant (Variation ID: 2735132). Invitae Evidence Modeling of protein sequence and biophysical properties (such as structural, functional, and spatial information, amino acid conservation, physicochemical variation, residue mobility, and thermodynamic stability) indicates that this missense variant is not expected to disrupt LPL protein function with a negative predictive value of 80%. Experimental studies have shown that this missense change affects LPL function (PMID: 8077845, 37550668). In summary, the currently available evidence indicates that the variant is pathogenic, but additional data are needed to prove that conclusively. Therefore, this variant has been classified as Likely Pathogenic.

PreventionGenetics, part of Exact Sciences
Classification: Uncertain significance for LPL-related condition. Last evaluated: 2025-05-02. Review status: criteria provided, single submitter. Criteria: ACMG Guidelines, 2015. Collection method: clinical testing. Allele origin: germline.
Comment: The LPL c.862G>A variant is predicted to result in the amino acid substitution p.Ala288Thr. This variant is alternatively referred to as p.Ala261Thr using legacy nomenclature. It has been reported in the compound heterozygous state in an individual with pregnancy-induced chylomicronemia (Ma et al. 1994. PubMed ID: 8077845). It has also been reported in the heterozygous state in individuals with hypertriglyceridemia (HTG) (See for example: Tada et al. 2018. PubMed ID: 30389453; Table S2, Jin et al. 2018. PubMed ID: 30420299; Hu et al. 2023. PubMed ID: 37550668). In one functional study, this variant was shown to reduce protein activity to 32-36% compared to wild-type (Ma et al. 1994. PubMed ID: 8077845). In contrast, a more recent functional study demonstrated protein function was only reduced 20% (~80% activity) compared to wild-type (Hu et al. 2023. PubMed ID: 37550668). This variant is reported in 0.076% of alleles in individuals of East Asian descent in gnomAD. Although we suspect that this variant may be pathogenic, at this time, the clinical significance of this variant is uncertain due to the absence of conclusive functional and genetic evidence.

Juno Genomics, Hangzhou Juno Genomics, Inc
Classification: Likely pathogenic for Hyperlipoproteinemia, type I; Hyperlipidemia, familial combined, LPL related. Review status: criteria provided, single submitter. Criteria: ACMG Guidelines, 2015. Collection method: clinical testing. Allele origin: germline.
Comment: Multiple lines of computational evidence support a deleterious effect on the gene or gene product.;For recessive disorders, detected in trans with a pathogenic variant.

Literature cited by the submitters: PubMed 11205691 (cited by Ambry Genetics); PubMed 35309119 (cited by Ambry Genetics and Labcorp Genetics (formerly Invitae), Labcorp); PubMed 37550668 (cited by Ambry Genetics and Labcorp Genetics (formerly Invitae), Labcorp); PubMed 8077845 (cited by Ambry Genetics and Labcorp Genetics (formerly Invitae), Labcorp); PubMed 30389453 (cited by Labcorp Genetics (formerly Invitae), Labcorp); PubMed 30420299 (cited by Labcorp Genetics (formerly Invitae), Labcorp).